The following is an entry in ClinVar:

ClinVar aggregate classification (germline): Likely benign. Review status: criteria provided, multiple submitters, no conflicts (2 of 4 stars). 2 submissions from 2 submitters: Likely benign (2). Last evaluated 2025-06-09.

Allele frequency attached by ClinVar (database versions not stated): ExAC 0.00002.
gnomAD v4.1: 20 of 1,614,050 alleles (0.0012%); highest among the groups gnomAD compares: Middle Eastern, 0.049%; no homozygotes.

Submissions (2):

Labcorp Genetics (formerly Invitae), Labcorp
Classification: Likely benign. Last evaluated: 2025-06-09. Review status: criteria provided, single submitter. Criteria: Invitae Variant Classification Sherloc (09022015). Collection method: clinical testing. Allele origin: germline.

CeGaT Center for Human Genetics Tuebingen
Classification: Likely benign. Last evaluated: 2023-01-01. Review status: criteria provided, single submitter. Criteria: CeGaT Center For Human Genetics Tuebingen Variant Classification Criteria Version 2. Collection method: clinical testing. Allele origin: germline. Affected: yes. Observed: 1 variant allele.
Comment: FOXP1: BP4, BP7

NM_001349338.3(FOXP1):c.1248C>T (p.Pro416=)

Gene: FOXP1 (forkhead box P1; minus strand). Cytogenetic location: 3p13.
Variant type: single nucleotide variant.
Coding change: c.1248C>T on transcript NM_001349338.3 (MANE Select); coding-DNA position 1248, C replaced by T.
Protein change: p.Pro416=; no amino-acid change (proline 416 retained).
Molecular consequence: synonymous variant. On other transcripts: non-coding transcript variant (2).
Genome position (GRCh38, 1-based): chr3:70,977,928, G>A on the plus strand (C>T on the coding strand, the complement: FOXP1 is on the minus strand). VCF-style: chr3-70977928-G-A. GRCh37 (hg19) VCF-style: chr3-71027079-G-A.
Other names: c.1248C>T, p.Pro416= (NM_001244808.3, NM_001244810.2, NM_001244814.3 and 4 more transcripts); c.1020C>T, p.Pro340= (NM_001244812.3); c.948C>T, p.Pro316= (NM_001244813.3, NM_001244815.2, NM_001349342.3 and 1 more transcripts); c.945C>T, p.Pro315= (NM_001349337.2, NM_001349343.3, NM_001349344.3); c.1245C>T, p.Pro415= (NM_001349341.3).
Identifiers: ClinVar variation 1914361 (VCV001914361.29), dbSNP rs556936473, ClinGen allele CA2491046.
Genomic context (GRCh38, chr3:70,977,928, plus strand): 5'-GCGGATGGGTCCCACCGTGTGCATGCTGGTGGTTGTGATGACAGAGGGGCCTTGGGTGAC[G>A]GGAGTCAGGGGGGCGGTTGGGGTCGTTGGAGTATGAGGTAAGCTCTGTGGAGAAGCCTCC-3'
Protein context (NP_001336267.1, residues 406-426): TPTTPTAPLT[Pro416=]VTQGPSVITT